The following is an entry in ClinVar:

NC_000001.10:g.(?_235597771)_(235599084_?)del

Gene: TBCE (tubulin folding cofactor E; plus strand). Cytogenetic location: 1q42.3.
Variant type: Deletion.
Identifiers: ClinVar variation 2424653 (VCV002424653.4).

ClinVar aggregate classification (germline): Uncertain significance (1 of 4 stars; one submission).

Submission:

Labcorp Genetics (formerly Invitae), Labcorp
Classification: Uncertain significance. Last evaluated: 2022-07-18. Review status: criteria provided, single submitter. Criteria: Invitae Variant Classification Sherloc (09022015). Collection method: clinical testing. Allele origin: germline.
Comment: This variant has not been reported in the literature in individuals affected with TBCE-related conditions. In summary, the available evidence is currently insufficient to determine the role of this variant in disease. Therefore, it has been classified as a Variant of Uncertain Significance. This variant results in the deletion of part of exon 9 (c.737+176_762del) of the TBCE gene. It is expected to disrupt RNA splicing. Variants that disrupt the donor or acceptor splice site typically lead to a loss of protein function (PMID: 16199547), however the current clinical and genetic evidence is not sufficient to establish whether loss-of-function variants in TBCE cause disease.

Literature cited by the submitters: PubMed 16199547.